The following is an entry in ClinVar:

NM_000828.5(GRIA3):c.2365G>T (p.Gly789Cys)

Gene: GRIA3 (glutamate ionotropic receptor AMPA type subunit 3; plus strand). Cytogenetic location: Xq25.
Variant type: single nucleotide variant.
Coding change: c.2365G>T on transcript NM_000828.5 (MANE Plus Clinical); coding-DNA position 2365, G replaced by T.
Protein change: p.Gly789Cys; replaces glycine 789 with cysteine.
Molecular consequence: missense variant. On other transcripts: intron variant (1).
Genome position (GRCh38, 1-based): chrX:123,465,714, G>T. VCF-style: chrX-123465714-G-T. GRCh37 (hg19) VCF-style: chrX-122599565-G-T.
Other names: c.2324+602G>T (NM_007325.5); short protein forms G789C.
Identifiers: ClinVar variation 2001869 (VCV002001869.4), dbSNP rs2521333764, ClinGen allele CA414266066.
Genomic context (GRCh38, chrX:123,465,714, plus strand): 5'-TTATGTTTTATCGTTTCAAGAAATGCTGTTAACCTGGCAGTATTAAAACTGAATGAGCAA[G>T]GCCTCTTGGACAAATTGAAAAACAAATGGTGGTACGACAAAGGAGAGTGCGGCAGCGGGG-3'
Protein context (NP_000819.4, residues 779-799): NLAVLKLNEQ[Gly789Cys]LLDKLKNKWW

ClinVar aggregate classification (germline): Uncertain significance (1 of 4 stars; one submission).

Submission:

Labcorp Genetics (formerly Invitae), Labcorp
Classification: Uncertain significance. Last evaluated: 2022-08-19. Review status: criteria provided, single submitter. Criteria: Invitae Variant Classification Sherloc (09022015). Collection method: clinical testing. Allele origin: germline.
Comment: This variant has not been reported in the literature in individuals affected with GRIA3-related conditions. In summary, the available evidence is currently insufficient to determine the role of this variant in disease. Therefore, it has been classified as a Variant of Uncertain Significance. Advanced modeling of protein sequence and biophysical properties (such as structural, functional, and spatial information, amino acid conservation, physicochemical variation, residue mobility, and thermodynamic stability) performed at Invitae indicates that this missense variant is expected to disrupt GRIA3 protein function. This variant is not present in population databases (gnomAD no frequency). This sequence change replaces glycine, which is neutral and non-polar, with cysteine, which is neutral and slightly polar, at codon 789 of the GRIA3 protein (p.Gly789Cys).